The following is an entry in ClinVar:

NC_000011.9:g.(?_108172365)_(108236245_?)dup

Genes: ATM (ATM serine/threonine kinase; plus strand), C11orf65 (chromosome 11 open reading frame 65; minus strand), LOC129390354 (MPRA-validated peak1451 silencer; plus strand). Cytogenetic location: 11q22.3.
Variant type: Duplication.
Identifiers: ClinVar variation 662294 (VCV000662294.1).

ClinVar aggregate classification (germline): Uncertain significance (1 of 4 stars; one submission).

Conditions:
Ataxia-telangiectasia syndrome (AT). Also called: Ataxia-telangiectasia, complementation group D; AT, COMPLEMENTATION GROUP C; Ataxia telangiectasia (A-T); Cerebello-oculocutaneous telangiectasia; Immunodeficiency with ataxia telangiectasia; ATAXIA-TELANGIECTASIA, COMPLEMENTATION GROUP A. Identifiers: Orphanet 100, MedGen C0004135, MONDO:0008840, OMIM 208900.

Submission:

Labcorp Genetics (formerly Invitae), Labcorp
Classification: Uncertain significance for Ataxia-telangiectasia syndrome. Last evaluated: 2018-11-08. Review status: criteria provided, single submitter. Criteria: Invitae Variant Classification Sherloc (09022015). Collection method: clinical testing. Allele origin: germline.
Comment: This variant results in a copy number gain of the genomic region encompassing exons 35-63 of the ATM gene. The 5' boundary is likely confined to intron 34. The 3' end of this event is unknown as it extends beyond the assayed region for this gene and therefore may encompass additional genes. As the precise location of this event is unknown, it may be in tandem or it may be located elsewhere in the genome. This variant has not been reported in the literature in individuals with ATM-related disease. Experimental studies are not available for this variant, and the functional significance of a copy number gain of these exons is currently unknown. In summary, the available evidence is currently insufficient to determine the role of this variant in disease. Therefore, it has been classified as a Variant of Uncertain Significance.